The following is an entry in ClinVar:

ClinVar aggregate classification (germline): Uncertain significance (1 of 4 stars; one submission).

Conditions:
Ullrich congenital muscular dystrophy 2 (UCMD2). Identifiers: Orphanet 75840, MedGen C4225314, MONDO:0014654, OMIM 616470.
Bethlem myopathy 2 (BTHLM2). Identifiers: Orphanet 536516, Orphanet 610, MedGen C4225313, MONDO:0034022, OMIM 616471.

Submission:

Labcorp Genetics (formerly Invitae), Labcorp
Classification: Uncertain significance for Bethlem myopathy 2; Ullrich congenital muscular dystrophy 2. Last evaluated: 2019-07-17. Review status: criteria provided, single submitter. Criteria: Invitae Variant Classification Sherloc (09022015). Collection method: clinical testing. Allele origin: germline.
Comment: This sequence change affects codon 2881 of the COL12A1 mRNA. It is a 'silent' change, meaning that it does not change the encoded amino acid sequence of the COL12A1 protein. This variant is not present in population databases (ExAC no frequency). Algorithms developed to predict the effect of sequence changes on RNA splicing suggest that this variant may create or strengthen a splice site, but this prediction has not been confirmed by published transcriptional studies. In summary, the available evidence is currently insufficient to determine the role of this variant in disease. Therefore, it has been classified as a Variant of Uncertain Significance.

NM_004370.6(COL12A1):c.8643C>T (p.Gly2881=)

Gene: COL12A1 (collagen type XII alpha 1 chain; minus strand). Cytogenetic location: 6q13.
Variant type: single nucleotide variant.
Coding change: c.8643C>T on transcript NM_004370.6 (MANE Select); coding-DNA position 8643, C replaced by T.
Protein change: p.Gly2881=; no amino-acid change (glycine 2881 retained).
Molecular consequence: synonymous variant.
Genome position (GRCh38, 1-based): chr6:75,095,114, G>A on the plus strand (C>T on the coding strand, the complement: COL12A1 is on the minus strand). VCF-style: chr6-75095114-G-A. GRCh37 (hg19) VCF-style: chr6-75804830-G-A.
Other names: c.5151C>T, p.Gly1717= (NM_080645.3).
Identifiers: ClinVar variation 938778 (VCV000938778.1), dbSNP rs1767942315, ClinGen allele CA450921817.